The following is an entry in ClinVar:

ClinVar aggregate classification (germline): Likely pathogenic (1 of 4 stars; one submission).

Conditions:
Hereditary cancer-predisposing syndrome. Also called: Hereditary Cancer Syndrome; Neoplastic Syndromes, Hereditary; Tumor predisposition; Hereditary neoplastic syndrome. Identifiers: Orphanet 140162, MedGen C0027672, MeSH D009386, MONDO:0015356.

Submission:

Ambry Genetics
Classification: Likely pathogenic for Hereditary cancer-predisposing syndrome. Last evaluated: 2026-09-04. Review status: criteria provided, single submitter. Criteria: Ambry Variant Classification Scheme 2023. Collection method: clinical testing. Allele origin: germline.
Comment: The c.495_496delAA variant, located in coding exon 2 of the CDKN1B gene, results from a deletion of two nucleotides at nucleotide positions 495 to 496, causing a translational frameshift with a predicted alternate stop codon (p.R166Sfs*38). This variant occurs at the 3' terminus of the gene, is not expected to trigger nonsense-mediated mRNA decay. This variant impacts the last 16% of the protein.and results in the elongation of the protein by four amino acids. However, premature stop codons are typically deleterious in nature and a significant portion of the protein is affected (Ambry internal data). This variant is considered to be rare based on population cohorts in the Genome Aggregation Database (gnomAD). Based on the majority of available evidence to date, this variant is likely to be pathogenic.

NM_004064.5(CDKN1B):c.495_496del (p.Arg166fs)

Gene: CDKN1B (cyclin dependent kinase inhibitor 1B; plus strand). Cytogenetic location: 12p13.1.
Variant type: Deletion.
Coding change: c.495_496del on transcript NM_004064.5 (MANE Select); coding-DNA positions 495 to 496, 2 bases deleted (AA; older notation c.495_496delAA).
Protein change: p.Arg166fs; shifts the reading frame from arginine 166.
Molecular consequence: frameshift variant.
Genome position (GRCh38, 1-based): chr12:12,718,844-12,718,845, AA deleted; deleting any 2 consecutive bases within chr12:12,718,842-12,718,845 gives the same sequence; the c. name uses the placement nearest the transcript's 3' end. VCF-style (leftmost placement, unchanged base first): chr12-12718841-CAA-C. GRCh37 (hg19) VCF-style: chr12-12871775-CAA-C.
Other names: short protein forms R166fs.
Identifiers: ClinVar variation 5034238 (VCV005034238.1).